The following is an entry in ClinVar:

ClinVar aggregate classification (germline): Likely benign (1 of 4 stars; one submission).

Submission:

CeGaT Center for Human Genetics Tuebingen
Classification: Likely benign. Last evaluated: 2024-09-01. Review status: criteria provided, single submitter. Criteria: CeGaT Center For Human Genetics Tuebingen Variant Classification Criteria Version 2. Collection method: clinical testing. Allele origin: germline. Affected: yes. Observed: 1 variant allele.
Comment: NEXMIF: BP4, BP7

NM_001008537.3(NEXMIF):c.1125G>A (p.Glu375=)

Gene: NEXMIF (neurite extension and migration factor; minus strand). Cytogenetic location: Xq13.3.
Variant type: single nucleotide variant.
Coding change: c.1125G>A on transcript NM_001008537.3 (MANE Select); coding-DNA position 1125, G replaced by A.
Protein change: p.Glu375=; no amino-acid change (glutamic acid 375 retained).
Molecular consequence: synonymous variant.
Genome position (GRCh38, 1-based): chrX:74,743,432, C>T on the plus strand (G>A on the coding strand, the complement: NEXMIF is on the minus strand). VCF-style: chrX-74743432-C-T. GRCh37 (hg19) VCF-style: chrX-73963267-C-T.
Identifiers: ClinVar variation 3388260 (VCV003388260.14).